The following is an entry in ClinVar:

NM_006239.3(PPEF2):c.293A>G (p.Glu98Gly)

Gene: PPEF2 (protein phosphatase with EF-hand domain 2; minus strand). Cytogenetic location: 4q21.1.
Variant type: single nucleotide variant.
Coding change: c.293A>G on transcript NM_006239.3 (MANE Select); coding-DNA position 293, A replaced by G.
Protein change: p.Glu98Gly; replaces glutamic acid 98 with glycine.
Molecular consequence: missense variant.
Genome position (GRCh38, 1-based): chr4:75,890,081, T>C on the plus strand (A>G on the coding strand, the complement: PPEF2 is on the minus strand). VCF-style: chr4-75890081-T-C. GRCh37 (hg19) VCF-style: chr4-76811234-T-C.
Other names: short protein forms E98G.
Identifiers: ClinVar variation 5041884 (VCV005041884.1).

ClinVar aggregate classification (germline): Likely benign (1 of 4 stars; one submission).

gnomAD v4.1: 278 of 1,613,994 alleles (0.017%); highest among the groups gnomAD compares: Non-Finnish European, 0.023%; no homozygotes.

Submission:

CeGaT Center for Human Genetics Tuebingen
Classification: Likely benign. Last evaluated: 2026-07-01. Review status: criteria provided, single submitter. Criteria: CeGaT Center For Human Genetics Tuebingen Variant Classification Criteria Version 2. Collection method: clinical testing. Allele origin: germline. Affected: yes. Observed: 1 variant allele.
Comment: PPEF2: BP4